The following is an entry in ClinVar:

ClinVar aggregate classification (germline): Likely benign. Review status: criteria provided, multiple submitters, no conflicts (2 of 4 stars). 3 submissions from 3 submitters: Likely benign (3). Last evaluated 2025-11-24.

Allele frequency attached by ClinVar (database versions not stated): ESP Exome Variant Server 0.00008; gnomAD exomes 0.00013; TOPMed 0.00014; gnomAD 0.00018; ExAC 0.00019.
gnomAD v4.1: 217 of 1,613,614 alleles (0.013%); highest among the groups gnomAD compares: Middle Eastern, 0.016%; 1 homozygote.

Submissions (3):

Labcorp Genetics (formerly Invitae), Labcorp
Classification: Likely benign. Last evaluated: 2025-11-24. Review status: criteria provided, single submitter. Criteria: Invitae Variant Classification Sherloc (09022015). Collection method: clinical testing. Allele origin: germline.

Women's Health and Genetics/Laboratory Corporation of America, LabCorp
Classification: Likely benign. Last evaluated: 2025-07-28. Review status: criteria provided, single submitter. Criteria: LabCorp Variant Classification Summary - May 2015. Collection method: clinical testing. Allele origin: germline.
Comment: Variant summary: ARHGEF10 c.3397+16G>A alters a non-conserved nucleotide located at a position not widely known to affect splicing. Consensus agreement among computation tools predict no significant impact on normal splicing. However, these predictions have yet to be confirmed by functional studies. The variant allele was found at a frequency of 0.00013 in 250330 control chromosomes. This frequency is not significantly higher than estimated for a pathogenic variant in ARHGEF10 causing Autosomal dominant slowed nerve conduction velocity, allowing no conclusion about variant significance. To our knowledge, no occurrence of c.3397+16G>A in individuals affected with Autosomal dominant slowed nerve conduction velocity and no experimental evidence demonstrating its impact on protein function have been reported. ClinVar contains an entry for this variant (Variation ID: 1643459). Based on the evidence outlined above, the variant was classified as likely benign.

Blueprint Genetics
Classification: Likely benign. Last evaluated: 2024-07-05. Review status: criteria provided, single submitter. Criteria: ACMG Guidelines, 2015. Collection method: clinical testing. Allele origin: germline.

NM_014629.4(ARHGEF10):c.3397+16G>A

Gene: ARHGEF10 (Rho guanine nucleotide exchange factor 10; plus strand). Cytogenetic location: 8p23.3.
Variant type: single nucleotide variant.
Coding change: c.3397+16G>A on transcript NM_014629.4 (MANE Select); 16 bases into the intron after coding-DNA position 3397, G replaced by A.
Molecular consequence: intron variant.
Genome position (GRCh38, 1-based): chr8:1,945,671, G>A. VCF-style: chr8-1945671-G-A. GRCh37 (hg19) VCF-style: chr8-1893837-G-A.
Other names: c.3280+16G>A (NM_001438092.1, NM_001438093.1); c.3400+16G>A (NM_001438091.1); c.3283+16G>A (NM_001308152.2, NM_001438094.1); c.3397+16G>A (NM_001308153.3).
Identifiers: ClinVar variation 1643459 (VCV001643459.10), dbSNP rs200452240, ClinGen allele CA4601328.